The following is an entry in ClinVar:

NM_024685.4(BBS10):c.488_489del (p.Arg163fs)

Gene: BBS10 (Bardet-Biedl syndrome 10; minus strand). Cytogenetic location: 12q21.2.
Variant type: Microsatellite.
Coding change: c.488_489del on transcript NM_024685.4 (MANE Select); coding-DNA positions 488 to 489, 2 bases deleted (GA; older notation c.488_489delGA).
Protein change: p.Arg163fs; shifts the reading frame from arginine 163.
Molecular consequence: frameshift variant.
Genome position (GRCh38, 1-based): chr12:76,347,496-76,347,497, TC deleted on the plus strand (GA on the coding strand, the reverse complement: BBS10 is on the minus strand); deleting any 2 consecutive bases within chr12:76,347,496-76,347,502 gives the same sequence; the c. name uses the placement nearest the transcript's 3' end. VCF-style (leftmost placement, unchanged base first): chr12-76347495-TTC-T. GRCh37 (hg19) VCF-style: chr12-76741275-TTC-T.
Other names: short protein forms R163fs.
Identifiers: ClinVar variation 2679974 (VCV002679974.4), dbSNP rs1565810107, ClinGen allele CA919123161.

ClinVar aggregate classification (germline): Pathogenic/Likely pathogenic. Review status: criteria provided, multiple submitters, no conflicts (2 of 4 stars). 3 submissions from 3 submitters: Pathogenic (2); Likely pathogenic (1). Last evaluated 2025-09-03.

Conditions:
Bardet-Biedl syndrome 10 (BBS10). Identifiers: Orphanet 110, MedGen C1859568, MONDO:0014438, OMIM 615987.
Bardet-Biedl syndrome (BBS). Identifiers: Orphanet 110, MedGen C0752166, MONDO:0015229.

Submissions (3):

Myriad Genetics, Inc.
Classification: Pathogenic for Bardet-Biedl syndrome 10. Last evaluated: 2025-09-03. Review status: criteria provided, single submitter. Criteria: Myriad Autosomal Dominant, Autosomal Recessive and X-Linked Classification Criteria (2023). Collection method: clinical testing. Allele origin: unknown.
Comment: NM_024685.3(BBS10):c.488_489delGA(R163Nfs*4) is a frameshift variant classified as pathogenic in the context of Bardet-Biedl syndrome, BBS10-related. R163Nfs*4 has not been observed in cases with relevant disease. Relevant functional assessments of this variant are not available in the literature. R163Nfs*4 has been observed in referenced population frequency databases. In summary, NM_024685.3(BBS10):c.488_489delGA(R163Nfs*4) is a frameshift variant in a gene where loss of function is a known mechanism of disease and is predicted to disrupt protein function. Please note: this variant was assessed in the context of healthy population screening.

Labcorp Genetics (formerly Invitae), Labcorp
Classification: Pathogenic for Bardet-Biedl syndrome. Last evaluated: 2024-03-09. Review status: criteria provided, single submitter. Criteria: Invitae Variant Classification Sherloc (09022015). Collection method: clinical testing. Allele origin: germline.
Comment: This sequence change creates a premature translational stop signal (p.Arg163Asnfs*4) in the BBS10 gene. While this is not anticipated to result in nonsense mediated decay, it is expected to disrupt the last 561 amino acid(s) of the BBS10 protein. This variant is not present in population databases (gnomAD no frequency). This variant has not been reported in the literature in individuals affected with BBS10-related conditions. This variant disrupts a region of the BBS10 protein in which other variant(s) (p.Val707*) have been determined to be pathogenic (PMID: 20472660, 22773737, 25982971, 27486776). This suggests that this is a clinically significant region of the protein, and that variants that disrupt it are likely to be disease-causing. For these reasons, this variant has been classified as Pathogenic.

Baylor Genetics
Classification: Likely pathogenic for Bardet-Biedl syndrome 10. Last evaluated: 2023-06-14. Review status: criteria provided, single submitter. Criteria: ACMG Guidelines, 2015. Collection method: clinical testing. Allele origin: unknown.

Literature cited by the submitters: PubMed 20472660 (cited by Labcorp Genetics (formerly Invitae), Labcorp); PubMed 22773737 (cited by Labcorp Genetics (formerly Invitae), Labcorp); PubMed 25982971 (cited by Labcorp Genetics (formerly Invitae), Labcorp); PubMed 27486776 (cited by Labcorp Genetics (formerly Invitae), Labcorp).